The following is an entry in ClinVar:

ClinVar aggregate classification (germline): Uncertain significance. Review status: criteria provided, multiple submitters, no conflicts (2 of 4 stars). 2 submissions from 2 submitters: Uncertain significance (2). Last evaluated 2024-02-13.

Conditions:
Epileptic encephalopathy. Identifiers: MedGen C0543888, HP:0200134.

Allele frequency attached by ClinVar (database versions not stated): gnomAD exomes below 0.00001.
gnomAD v4.1: 1 of 1,610,806 alleles (0.000062%); highest among the groups gnomAD compares: Non-Finnish European, 0.000085%; no homozygotes.

Submissions (2):

Blueprint Genetics
Classification: Uncertain significance. Last evaluated: 2024-02-13. Review status: criteria provided, single submitter. Criteria: ACMG Guidelines, 2015. Collection method: clinical testing. Allele origin: germline.

Labcorp Genetics (formerly Invitae), Labcorp
Classification: Uncertain significance for Epileptic encephalopathy. Last evaluated: 2020-10-09. Review status: criteria provided, single submitter. Criteria: Invitae Variant Classification Sherloc (09022015). Collection method: clinical testing. Allele origin: germline.
Comment: In summary, the available evidence is currently insufficient to determine the role of this variant in disease. Therefore, it has been classified as a Variant of Uncertain Significance. Algorithms developed to predict the effect of missense changes on protein structure and function are either unavailable or do not agree on the potential impact of this missense change (SIFT: "Deleterious"; PolyPhen-2: "Probably Damaging"; Align-GVGD: "Class C0"). This variant has not been reported in the literature in individuals with GABBR2-related conditions. This variant is not present in population databases (ExAC no frequency). This sequence change replaces threonine with methionine at codon 565 of the GABBR2 protein (p.Thr565Met). The threonine residue is highly conserved and there is a moderate physicochemical difference between threonine and methionine.

NM_005458.8(GABBR2):c.1694C>T (p.Thr565Met)

Gene: GABBR2 (gamma-aminobutyric acid type B receptor subunit 2; minus strand). Cytogenetic location: 9q22.33.
Variant type: single nucleotide variant.
Coding change: c.1694C>T on transcript NM_005458.8 (MANE Select); coding-DNA position 1694, C replaced by T.
Protein change: p.Thr565Met; replaces threonine 565 with methionine.
Molecular consequence: missense variant.
Genome position (GRCh38, 1-based): chr9:98,371,540, G>A on the plus strand (C>T on the coding strand, the complement: GABBR2 is on the minus strand). VCF-style: chr9-98371540-G-A. GRCh37 (hg19) VCF-style: chr9-101133822-G-A.
Other names: short protein forms T565M.
Identifiers: ClinVar variation 1047432 (VCV001047432.9), dbSNP rs1564035609, ClinGen allele CA374208210.
Genomic context (GRCh38, chr9:98,371,540, plus strand): 5'-ACATTTTTGAAGATGGCGTGGACTCTCCAGGTCTTTGCAAACATGGCCCCAAAAGCGGTC[G>A]TGTAGCCCACGGTGAGAATCCAGGTCCTGACCTAGAGGCCATGAGAAAACAGAGGCATTG-3'
Protein context (NP_005449.5, residues 555-575): VRTWILTVGY[Thr565Met]TAFGAMFAKT